The following is an entry in ClinVar:

NM_012330.4(KAT6B):c.431A>C (p.Asn144Thr)

Gene: KAT6B (lysine acetyltransferase 6B; plus strand). Cytogenetic location: 10q22.2.
Variant type: single nucleotide variant.
Coding change: c.431A>C on transcript NM_012330.4 (MANE Select); coding-DNA position 431, A replaced by C.
Protein change: p.Asn144Thr; replaces asparagine 144 with threonine.
Molecular consequence: missense variant. On other transcripts: 5 prime UTR variant (2).
Genome position (GRCh38, 1-based): chr10:74,843,288, A>C. VCF-style: chr10-74843288-A-C. GRCh37 (hg19) VCF-style: chr10-76603046-A-C.
Other names: c.431A>C, p.Asn144Thr (NM_001256468.2, NM_001256469.2, NM_001370132.1 and 10 more transcripts); c.-108A>C (NM_001370134.1, NM_001370135.1); short protein forms N144T.
Identifiers: ClinVar variation 2413511 (VCV002413511.7), dbSNP rs2548335665, ClinGen allele CA377400025.

ClinVar aggregate classification (germline): Uncertain significance (1 of 4 stars; one submission).

Conditions:
Genitopatellar syndrome (GTPTS). Also called: Genitopatellar syndrome (GPS); ABSENT PATELLAE, SCROTAL HYPOPLASIA, RENAL ANOMALIES, FACIAL DYSMORPHISM, AND MENTAL RETARDATION. Identifiers: Orphanet 85201, MedGen C1853566, MONDO:0011640, OMIM 606170.

Allele frequency attached by ClinVar (database versions not stated): gnomAD exomes below 0.00001.
gnomAD v4.1: 3 of 1,613,946 alleles (0.00019%); highest among the groups gnomAD compares: Non-Finnish European, 0.00025%; no homozygotes.

Submission:

Labcorp Genetics (formerly Invitae), Labcorp
Classification: Uncertain significance for Genitopatellar syndrome. Last evaluated: 2022-03-04. Review status: criteria provided, single submitter. Criteria: Invitae Variant Classification Sherloc (09022015). Collection method: clinical testing. Allele origin: germline.
Comment: In summary, the available evidence is currently insufficient to determine the role of this variant in disease. Therefore, it has been classified as a Variant of Uncertain Significance. Algorithms developed to predict the effect of missense changes on protein structure and function output the following: SIFT: "Tolerated"; PolyPhen-2: "Benign"; Align-GVGD: "Class C0". The threonine amino acid residue is found in multiple mammalian species, which suggests that this missense change does not adversely affect protein function. This variant has not been reported in the literature in individuals affected with KAT6B-related conditions. This variant is not present in population databases (gnomAD no frequency). This sequence change replaces asparagine, which is neutral and polar, with threonine, which is neutral and polar, at codon 144 of the KAT6B protein (p.Asn144Thr).